The following is an entry in ClinVar:

ClinVar aggregate classification (germline): Uncertain significance (1 of 4 stars; one submission).

Submission:

Dasa
Classification: Uncertain significance. Last evaluated: 2025-01-25. Review status: criteria provided, single submitter. Criteria: DASA Assertion Criteria. Collection method: clinical testing. Allele origin: germline.
Comment: NM_003200.5(TCF3):c.1450+3A>G is a splice-region variant. This variant is absent from population databases. Computational prediction algorithms are consistent with a benign effect. The currently available literature and clinical evidence are not sufficient to establish a definitive association between this variant and the reported condition. Therefore, this variant is classified as a variant of uncertain significance.

NM_003200.5(TCF3):c.1450+3A>G

Gene: TCF3 (transcription factor 3; minus strand). Cytogenetic location: 19p13.3.
Variant type: single nucleotide variant.
Coding change: c.1450+3A>G on transcript NM_003200.5 (MANE Select); 3 bases into the intron after coding-DNA position 1450, A replaced by G.
Molecular consequence: intron variant.
Genome position (GRCh38, 1-based): chr19:1,619,108, T>C on the plus strand (A>G on the coding strand, the complement: TCF3 is on the minus strand). VCF-style: chr19-1619108-T-C. GRCh37 (hg19) VCF-style: chr19-1619107-T-C.
Other names: c.1447+3A>G (NM_001351778.2); c.1450+3A>G (NM_001136139.4, NM_001351779.2).
Identifiers: ClinVar variation 4886641 (VCV004886641.2).